The following is an entry in ClinVar:

NM_017934.7(PHIP):c.3535G>C (p.Asp1179His)

Genes: IRAK1BP1 (interleukin 1 receptor associated kinase 1 binding protein 1; plus strand), PHIP (PHIP subunit of CUL4-Ring ligase complex; minus strand). Cytogenetic location: 6q14.1.
Variant type: single nucleotide variant.
Coding change: c.3535G>C on transcript NM_017934.7 (MANE Select); coding-DNA position 3535, G replaced by C.
Protein change: p.Asp1179His; replaces aspartic acid 1179 with histidine.
Molecular consequence: missense variant.
Genome position (GRCh38, 1-based): chr6:78,963,097, C>G on the plus strand (G>C on the coding strand, the complement: PHIP is on the minus strand). VCF-style: chr6-78963097-C-G. GRCh37 (hg19) VCF-style: chr6-79672814-C-G.
Other names: short protein forms D1179H.
Identifiers: ClinVar variation 4072544 (VCV004072544.1).
Genomic context (GRCh38, chr6:78,963,097, plus strand): 5'-ATTTTTCCATTACTTTGTGTTCTGCCAGTTTTTTCTATACTCGCGTGTTGCTTTACTTAC[C>G]TAGTGTCATCAACTGGTTTATTCCTGCCACAATTCTTTCACATTCTTCATCCCTGGGATT-3'
Protein context (NP_060404.4, residues 1169-1189): VAGINQLMTL[Asp1179His]IASAFVAPVD

ClinVar aggregate classification (germline): Uncertain significance (1 of 4 stars; one submission).

Submission:

GeneDx
Classification: Uncertain significance. Last evaluated: 2025-01-29. Review status: criteria provided, single submitter. Criteria: GeneDx Variant Classification Process June 2021. Collection method: clinical testing. Allele origin: germline. Affected: yes.
Comment: Has not been previously published as pathogenic or benign to our knowledge; Not observed at significant frequency in large population cohorts (gnomAD); In silico analysis supports that this missense variant has a deleterious effect on protein structure/function